The following is an entry in ClinVar:

NM_005051.3(QARS1):c.1163A>G (p.Glu388Gly)

Gene: QARS1 (glutaminyl-tRNA synthetase 1; minus strand). Cytogenetic location: 3p21.31.
Variant type: single nucleotide variant.
Coding change: c.1163A>G on transcript NM_005051.3 (MANE Select); coding-DNA position 1163, A replaced by G.
Protein change: p.Glu388Gly; replaces glutamic acid 388 with glycine.
Molecular consequence: missense variant. On other transcripts: non-coding transcript variant (1).
Genome position (GRCh38, 1-based): chr3:49,100,191, T>C on the plus strand (A>G on the coding strand, the complement: QARS1 is on the minus strand). VCF-style: chr3-49100191-T-C. GRCh37 (hg19) VCF-style: chr3-49137624-T-C.
Other names: c.1130A>G, p.Glu377Gly (NM_001272073.2); short protein forms E388G, E377G.
Identifiers: ClinVar variation 567795 (VCV000567795.6), dbSNP rs777424712, ClinGen allele CA2391874.

ClinVar aggregate classification (germline): Uncertain significance (1 of 4 stars; one submission).

Conditions:
Diffuse cerebral and cerebellar atrophy - intractable seizures - progressive microcephaly syndrome. Also called: Microcephaly, progressive, with seizures and cerebral and cerebellar atrophy. Identifiers: Orphanet 404437, MedGen C4014239, MONDO:0014335, OMIM 615760.

Allele frequency attached by ClinVar (database versions not stated): gnomAD exomes below 0.00001 and 0.00008; TOPMed 0.00002; ExAC 0.00001; gnomAD 0.00003 and 0.00004.
gnomAD v4.1: 117 of 1,614,072 alleles (0.0072%); highest among the groups gnomAD compares: Non-Finnish European, 0.0099%; no homozygotes.

Submissions (2):

Labcorp Genetics (formerly Invitae), Labcorp
Classification: Uncertain significance for Diffuse cerebral and cerebellar atrophy - intractable seizures - progressive microcephaly syndrome. Last evaluated: 2022-10-17. Review status: criteria provided, single submitter. Criteria: Invitae Variant Classification Sherloc (09022015). Collection method: clinical testing. Allele origin: germline.
Comment: This sequence change replaces glutamic acid, which is acidic and polar, with glycine, which is neutral and non-polar, at codon 388 of the QARS protein (p.Glu388Gly). This variant is present in population databases (rs777424712, gnomAD 0.003%). This variant has not been reported in the literature in individuals affected with QARS-related conditions. ClinVar contains an entry for this variant (Variation ID: 567795). Algorithms developed to predict the effect of missense changes on protein structure and function are either unavailable or do not agree on the potential impact of this missense change (SIFT: "Deleterious"; PolyPhen-2: "Not Available"; Align-GVGD: "Class C0"). Algorithms developed to predict the effect of sequence changes on RNA splicing suggest that this variant may disrupt the consensus splice site. In summary, the available evidence is currently insufficient to determine the role of this variant in disease. Therefore, it has been classified as a Variant of Uncertain Significance.

Dr. Peter K. Rogan Lab, Western University
No classification provided (evidence only). Condition: Clear cell carcinoma of kidney. Review status: no classification provided. Collection method: in vitro. Allele origin: not applicable. Functional consequence: skipped exon, retained intron. Not counted in ClinVar's aggregate classification.